The following is an entry in ClinVar:

ClinVar aggregate classification (germline): Likely pathogenic (3 of 4 stars; one submission).

Conditions:
Monogenic diabetes. Identifiers: Orphanet 183625, MedGen C3888631, MONDO:0015967.

Submission:

ClinGen Monogenic Diabetes Variant Curation Expert Panel
Classification: Likely pathogenic for Monogenic diabetes. Last evaluated: 2026-01-28. Review status: reviewed by expert panel. Criteria: ClinGen Diabetes ACMG Specifications HNF1A V3.1.0. Collection method: curation. Allele origin: germline. Inheritance: Autosomal dominant inheritance.
Comment: The c.614del variant in the HNF1 homeobox A gene, HNF1A, causes a frameshift in the protein at codon 205 (NM_000545.8), adding 28 novel amino acids before encountering a stop codon (p.(Lys205SerfsTer28)). This variant, located in biologically-relevant exon 3 of 10, is predicted to lead to nonsense mediated decay in a gene in which loss-of-function is an established disease mechanism (PVS1; PMID: [23348805]). This variant is absent from gnomAD v4.1.0 (PM2_Supporting). This variant was identified in two unrelated individuals with non-autoimmune and non-absolute/near-absolute insulin-deficient diabetes; however, PS4_Moderate cannot be applied because this number is below the ClinGen MDEP threshold (internal lab contributors). In summary, c.614del meets the criteria to be classified as likely pathogenic for monogenic diabetes. ACMG/AMP criteria applied, as specified by the ClinGen MDEP VCEP (specification version 3.1.0, approved 10/10/2025): PVS1, PM2_supporting.

Literature cited by the submitters: PubMed 23348805.

NM_000545.8(HNF1A):c.614del (p.Lys205fs)

Gene: HNF1A (HNF1 homeobox A; plus strand). Cytogenetic location: 12q24.31.
Variant type: Deletion.
Coding change: c.614del on transcript NM_000545.8 (MANE Select); coding-DNA position 614, one base deleted (A; older notation c.614delA).
Protein change: p.Lys205fs; shifts the reading frame from lysine 205.
Molecular consequence: frameshift variant.
Genome position (GRCh38, 1-based): chr12:120,993,607, A deleted; the last of 2 consecutive A bases (chr12:120,993,606-120,993,607); deleting either gives the same sequence. VCF-style (leftmost placement, unchanged base first): chr12-120993605-CA-C. GRCh37 (hg19) VCF-style: chr12-121431408-CA-C.
Other names: NM_001306179.2:c.614del; c.614del, p.Lys205fs (NM_001306179.2, NM_001406915.1); short protein forms K205fs.
Identifiers: ClinVar variation 4687886 (VCV004687886.1).
Genomic context (GRCh38, chr12:120,993,605, plus strand): 5'-GCTGATTGAAGAGCCCACAGGTGATGAGCTACCAACCAAGAAGGGGCGGAGGAACCGTTT[CA>C]AGTGGGGCCCAGCATCCCAGCAGATCCTGTTCCAGGCCTATGAGAGGCAGAAGAACCCTA-3'